The following is an entry in ClinVar:

NM_001844.5(COL2A1):c.309+9_309+11del

Gene: COL2A1 (collagen type II alpha 1 chain; minus strand). Cytogenetic location: 12q13.11.
Variant type: Deletion.
Coding change: c.309+9_309+11del on transcript NM_001844.5 (MANE Select); bases 9 to 11 of the intron after coding-DNA position 309, 3 bases deleted (TTT; older notation c.309+9_309+11delTTT).
Molecular consequence: intron variant.
Genome position (GRCh38, 1-based): chr12:47,998,404-47,998,406, AAA deleted on the plus strand (TTT on the coding strand, the reverse complement: COL2A1 is on the minus strand). VCF-style (leftmost placement, unchanged base first): chr12-47998403-GAAA-G. GRCh37 (hg19) VCF-style: chr12-48392186-GAAA-G.
Other names: c.102+9_102+11del (NM_033150.3).
Identifiers: ClinVar variation 4995847 (VCV004995847.1).

ClinVar aggregate classification (germline): Likely benign (1 of 4 stars; one submission).

Conditions:
COL2A1-related disorder. Also called: COL2A1-related condition; COL2A1-related disorders.

Submission:

PreventionGenetics, part of Exact Sciences
Classification: Likely benign for COL2A1-related condition. Last evaluated: 2026-06-15. Review status: criteria provided, single submitter. Criteria: ACMG Guidelines, 2015. Collection method: clinical testing. Allele origin: germline.
Comment: This variant is classified as likely benign based on ACMG/AMP sequence variant interpretation guidelines (Richards et al. 2015 PMID: 25741868, with internal and published modifications).